The following is an entry in ClinVar:

NM_182961.4(SYNE1):c.1463+24G>T

Gene: SYNE1 (spectrin repeat containing nuclear envelope protein 1; minus strand). Cytogenetic location: 6q25.2.
Variant type: single nucleotide variant.
Coding change: c.1463+24G>T on transcript NM_182961.4 (MANE Select); 24 bases into the intron after coding-DNA position 1463, G replaced by T.
Molecular consequence: intron variant.
Genome position (GRCh38, 1-based): chr6:152,472,277, C>A on the plus strand (G>T on the coding strand, the complement: SYNE1 is on the minus strand). VCF-style: chr6-152472277-C-A. GRCh37 (hg19) VCF-style: chr6-152793412-C-A.
Other names: c.1484+24G>T (NM_033071.5).
Identifiers: ClinVar variation 262164 (VCV000262164.4), dbSNP rs4523096, ClinGen allele CA4059396.
Genomic context (GRCh38, chr6:152,472,277, plus strand): 5'-ATCATGAAAAAATAAAAGAAATATAAAAAGCGTCCACCTAGTGTTTTAAAAAGAGACTTC[C>A]TTTAAATGCAGATATTCTCTTACCTCTCGGCCATGTCCTCTAATTGATCAGGTGGCACTG-3'

ClinVar aggregate classification (germline): Benign. Review status: criteria provided, multiple submitters, no conflicts (2 of 4 stars). 5 submissions from 3 submitters: Benign (5). Last evaluated 2021-07-15.

Conditions:
Arthrogryposis multiplex congenita 3, myogenic type. Also called: ARTHROGRYPOSIS MULTIPLEX CONGENITA, MYOGENIC TYPE. Identifiers: MedGen C5193121, MONDO:0032778, OMIM 618484.
Emery-Dreifuss muscular dystrophy 4, autosomal dominant (EDMD4). Also called: EMERY-DREIFUSS MUSCULAR DYSTROPHY 4 WITH VARIABLE FEATURES. Identifiers: Orphanet 261, MedGen C2751807, MONDO:0013071, OMIM 612998.
Autosomal recessive ataxia, Beauce type. Also called: Spinocerebellar ataxia, autosomal recessive 8; ATAXIA, RECESSIVE, OF BEAUCE; SYNE1-Related Autosomal Recessive Cerebellar Ataxia; SYNE1 Deficiency. Identifiers: Orphanet 88644, MedGen C1853116, MONDO:0012549, OMIM 610743.

Allele frequency attached by ClinVar (database versions not stated): gnomAD exomes 0.71881 and 0.75907; ExAC 0.76573; ESP Exome Variant Server 0.78302; gnomAD 0.78969 and 0.79102; TOPMed 0.79262; 1000 Genomes Project 30x 0.85322; 1000 Genomes Project 0.85523.
gnomAD v4.1: 1,151,212 of 1,584,074 alleles (73%); highest among the groups gnomAD compares: East Asian, 98%; 422,704 homozygotes.

Submissions (5):

Genome-Nilou Lab
Classification: Benign for Arthrogryposis multiplex congenita 3, myogenic type. Last evaluated: 2021-07-15. Review status: criteria provided, single submitter. Criteria: ACMG Guidelines, 2015. Collection method: clinical testing. Allele origin: germline. Affected: no.

Genome-Nilou Lab
Classification: Benign for Emery-Dreifuss muscular dystrophy 4, autosomal dominant. Last evaluated: 2021-07-15. Review status: criteria provided, single submitter. Criteria: ACMG Guidelines, 2015. Collection method: clinical testing. Allele origin: germline. Affected: no.

Genome-Nilou Lab
Classification: Benign for Autosomal recessive ataxia, Beauce type. Last evaluated: 2021-07-15. Review status: criteria provided, single submitter. Criteria: ACMG Guidelines, 2015. Collection method: clinical testing. Allele origin: germline. Affected: no.

GeneDx
Classification: Benign. Last evaluated: 2018-06-14. Review status: criteria provided, single submitter. Criteria: GeneDx Variant Classification (06012015). Collection method: clinical testing. Allele origin: germline. Affected: yes.
Comment: This variant is considered likely benign or benign based on one or more of the following criteria: it is a conservative change, it occurs at a poorly conserved position in the protein, it is predicted to be benign by multiple in silico algorithms, and/or has population frequency not consistent with disease.

PreventionGenetics, part of Exact Sciences
Classification: Benign. Review status: criteria provided, single submitter. Criteria: ACMG Guidelines, 2015. Collection method: clinical testing. Allele origin: germline.